The following is an entry in ClinVar:

ClinVar aggregate classification (germline): Uncertain significance (1 of 4 stars; one submission).

Conditions:
Inborn genetic diseases. Identifiers: MedGen C0950123, MeSH D030342.

gnomAD v4.1: 1 of 1,613,276 alleles (0.000062%); highest among the groups gnomAD compares: Admixed American, 0.0017%; no homozygotes.

Submission:

Ambry Genetics
Classification: Uncertain significance for Inborn genetic diseases. Last evaluated: 2026-05-14. Review status: criteria provided, single submitter. Criteria: Ambry Variant Classification Scheme 2023. Collection method: clinical testing. Allele origin: germline.
Comment: The p.H156Q variant (also known as c.468T>G), located in coding exon 4 of the CEP57 gene, results from a T to G substitution at nucleotide position 468. The histidine at codon 156 is replaced by glutamine, an amino acid with highly similar properties. This amino acid position is conserved. In addition, this alteration is predicted to be tolerated by in silico analysis. Based on the available evidence, the clinical significance of this variant remains unclear.

NM_014679.5(CEP57):c.468T>G (p.His156Gln)

Gene: CEP57 (centrosomal protein 57; plus strand). Cytogenetic location: 11q21.
Variant type: single nucleotide variant.
Coding change: c.468T>G on transcript NM_014679.5 (MANE Select); coding-DNA position 468, T replaced by G.
Protein change: p.His156Gln; replaces histidine 156 with glutamine.
Molecular consequence: missense variant.
Genome position (GRCh38, 1-based): chr11:95,813,553, T>G. VCF-style: chr11-95813553-T-G. GRCh37 (hg19) VCF-style: chr11-95546717-T-G.
Other names: c.441T>G, p.His147Gln (NM_001243776.2); c.468T>G, p.His156Gln (NM_001243777.2, NM_001440871.1, NM_001440882.1 and 4 more transcripts); c.387T>G, p.His129Gln (NM_001363604.2, NM_001440869.1, NM_001440870.1 and 3 more transcripts); c.288T>G, p.His96Gln (NM_001440881.1, NM_001440873.1); c.207T>G, p.His69Gln (NM_001440880.1); short protein forms H129Q, H147Q, H156Q, H69Q, H96Q.
Identifiers: ClinVar variation 4868770 (VCV004868770.1).